The following is an entry in ClinVar:

NC_000014.8:g.(?_102229222)_(105861009_?)dup

Genes: ADSS1 (adenylosuccinate synthase 1; plus strand), AHNAK2 (AHNAK nucleoprotein 2; minus strand), AKT1 (AKT serine/threonine kinase 1; minus strand), AMN (amnion associated transmembrane protein; plus strand), ANKRD9 (ankyrin repeat domain 9; minus strand) and 44 more. Cytogenetic location: 14q32.31-32.33.
Variant type: Duplication.
Identifiers: ClinVar variation 1410807 (VCV001410807.37).

ClinVar aggregate classification (germline): Uncertain significance (1 of 4 stars; one submission).

Submission:

Labcorp Genetics (formerly Invitae), Labcorp
Classification: Uncertain significance. Last evaluated: 2022-01-11. Review status: criteria provided, single submitter. Criteria: Invitae Variant Classification Sherloc (09022015). Collection method: clinical testing. Allele origin: germline.
Comment: A copy number gain of the genomic region encompassing the full coding sequence of the ADSSL1 gene has been identified. The boundaries of this event are unknown as they extend beyond the assayed region for this gene and therefore may encompass additional genes. As the precise location of this event is unknown, it may be in tandem or it may be located elsewhere in the genome. This variant has not been reported in the literature in individuals affected with ADSSL1-related conditions. In summary, the available evidence is currently insufficient to determine the role of this variant in disease. Therefore, it has been classified as a Variant of Uncertain Significance.